The following is an entry in ClinVar:

NM_006767.4(LZTR1):c.610del (p.Thr204fs)

Gene: LZTR1 (leucine zipper like post translational regulator 1; plus strand). Cytogenetic location: 22q11.21.
Variant type: Deletion.
Coding change: c.610del on transcript NM_006767.4 (MANE Select); coding-DNA position 610, one base deleted (A; older notation c.610delA).
Protein change: p.Thr204fs; shifts the reading frame from threonine 204.
Molecular consequence: frameshift variant.
Genome position (GRCh38, 1-based): chr22:20,989,641, A deleted. VCF-style (leftmost placement, unchanged base first): chr22-20989640-GA-G. GRCh37 (hg19) VCF-style: chr22-21343929-GA-G.
Other names: short protein forms T204fs.
Identifiers: ClinVar variation 1751669 (VCV001751669.4), dbSNP rs1924523150, ClinGen allele CA2396639618.

ClinVar aggregate classification (germline): Pathogenic. Review status: criteria provided, multiple submitters, no conflicts (2 of 4 stars). 2 submissions from 2 submitters: Pathogenic (2). Last evaluated 2025-10-29.

Conditions:
Cardiovascular phenotype. Identifiers: MedGen CN230736.
Hereditary cancer-predisposing syndrome. Also called: Hereditary Cancer Syndrome; Hereditary neoplastic syndrome; Neoplastic Syndromes, Hereditary; Tumor predisposition. Identifiers: Orphanet 140162, MedGen C0027672, MeSH D009386, MONDO:0015356.

Allele frequency attached by ClinVar (database versions not stated): gnomAD exomes below 0.00001; TOPMed below 0.00001.

Submissions (2):

Labcorp Genetics (formerly Invitae), Labcorp
Classification: Pathogenic. Last evaluated: 2025-10-29. Review status: criteria provided, single submitter. Criteria: Invitae Variant Classification Sherloc (09022015). Collection method: clinical testing. Allele origin: germline.
Comment: This sequence change creates a premature translational stop signal (p.Thr204Glnfs*48) in the LZTR1 gene. It is expected to result in an absent or disrupted protein product. Loss-of-function variants in LZTR1 are known to be pathogenic (PMID: 24362817, 25335493, 25480913, 25795793, 29469822, 30368668, 30442762, 30442766, 30481304, 30859559). This variant is not present in population databases (gnomAD no frequency). This variant has not been reported in the literature in individuals affected with LZTR1-related conditions. ClinVar contains an entry for this variant (Variation ID: 1751669). Algorithms developed to predict the effect of sequence changes on RNA splicing suggest that this variant may disrupt the consensus splice site. For these reasons, this variant has been classified as Pathogenic.

Ambry Genetics
Classification: Pathogenic for Cardiovascular phenotype; Hereditary cancer-predisposing syndrome. Last evaluated: 2022-09-21. Review status: criteria provided, single submitter. Criteria: Ambry Variant Classification Scheme 2023. Collection method: clinical testing. Allele origin: germline.
Comment: The c.610delA pathogenic mutation, located in coding exon 7 of the LZTR1 gene, results from a deletion of one nucleotide at nucleotide position 610, causing a translational frameshift with a predicted alternate stop codon (p.T204Qfs*48). This alteration is expected to result in loss of function by premature protein truncation or nonsense-mediated mRNA decay. Loss-of-function variants in LZTR1 are related to an increased risk for schwannomas and autosomal recessive Noonan syndrome; however, such associations with autosomal dominant Noonan syndrome have not been observed (Piotrowski A et al. Nat Genet. 2014 Feb;46:182-7; Yamamoto GL et al. J Med Genet. 2015 Jun;52:413-21; Johnston JJ et al. Genet Med. 2018 10;20:1175-1185). Based on the supporting evidence, this variant is pathogenic for an increased risk of LZTR1-related schwannomatosis (SWN) and would be expected to cause autosomal recessive Noonan syndrome when present along with a second pathogenic or likely pathogenic variant on the other allele; however, the association of this alteration with autosomal dominant Noonan syndrome is unlikely.

Literature cited by the submitters: PubMed 24362817 (cited by Labcorp Genetics (formerly Invitae), Labcorp); PubMed 25335493 (cited by Labcorp Genetics (formerly Invitae), Labcorp); PubMed 25480913 (cited by Labcorp Genetics (formerly Invitae), Labcorp); PubMed 25795793 (cited by Labcorp Genetics (formerly Invitae), Labcorp); PubMed 29469822 (cited by Labcorp Genetics (formerly Invitae), Labcorp); PubMed 30368668 (cited by Labcorp Genetics (formerly Invitae), Labcorp); PubMed 30442762 (cited by Labcorp Genetics (formerly Invitae), Labcorp); PubMed 30442766 (cited by Labcorp Genetics (formerly Invitae), Labcorp); PubMed 30481304 (cited by Labcorp Genetics (formerly Invitae), Labcorp); PubMed 30859559 (cited by Labcorp Genetics (formerly Invitae), Labcorp).